The following is an entry in ClinVar:

NM_001692.4(ATP6V1B1):c.1483G>T (p.Asp495Tyr)

Gene: ATP6V1B1 (ATPase H+ transporting V1 subunit B1; plus strand). Cytogenetic location: 2p13.3.
Variant type: single nucleotide variant.
Coding change: c.1483G>T on transcript NM_001692.4 (MANE Select); coding-DNA position 1483, G replaced by T.
Protein change: p.Asp495Tyr; replaces aspartic acid 495 with tyrosine.
Molecular consequence: missense variant.
Genome position (GRCh38, 1-based): chr2:70,965,062, G>T. VCF-style: chr2-70965062-G-T. GRCh37 (hg19) VCF-style: chr2-71192192-G-T.
Other names: short protein forms D495Y.
Identifiers: ClinVar variation 596470 (VCV000596470.10), dbSNP rs1558681213, ClinGen allele CA347189899.

ClinVar aggregate classification (germline): Uncertain significance. Review status: criteria provided, multiple submitters, no conflicts (2 of 4 stars). 3 submissions from 3 submitters: Uncertain significance (2). 1 of the submissions does not count toward it. Last evaluated 2021-09-01.

Conditions:
Renal tubular acidosis with progressive nerve deafness. Also called: Distal Renal Tubular Acidosis with Progressive Sensorineural Deafness; RENAL TUBULAR ACIDOSIS, AUTOSOMAL RECESSIVE, WITH PROGRESSIVE NERVE DEAFNESS; RTA WITH PROGRESSIVE NERVE DEAFNESS; renal tubular acidosis, distal, 2, with progressive sensorineural hearing loss. Identifiers: MedGen C0403554, MONDO:0009968, OMIM 267300.

gnomAD v4.1: 25 of 1,613,408 alleles (0.0015%); highest among the groups gnomAD compares: Non-Finnish European, 0.0021%; no homozygotes.

Submissions (3):

Labcorp Genetics (formerly Invitae), Labcorp
Classification: Uncertain significance. Last evaluated: 2021-09-01. Review status: criteria provided, single submitter. Criteria: Invitae Variant Classification Sherloc (09022015). Collection method: clinical testing. Allele origin: germline.
Comment: This sequence change replaces aspartic acid with tyrosine at codon 495 of the ATP6V1B1 protein (p.Asp495Tyr). The aspartic acid residue is moderately conserved and there is a large physicochemical difference between aspartic acid and tyrosine. This variant is not present in population databases (ExAC no frequency). This variant has not been reported in the literature in individuals affected with ATP6V1B1-related conditions. ClinVar contains an entry for this variant (Variation ID: 596470). Algorithms developed to predict the effect of missense changes on protein structure and function are either unavailable or do not agree on the potential impact of this missense change (SIFT: "Deleterious"; PolyPhen-2: "Possibly Damaging"; Align-GVGD: "Class C0"). In summary, the available evidence is currently insufficient to determine the role of this variant in disease. Therefore, it has been classified as a Variant of Uncertain Significance.

Eurofins Ntd Llc (ga)
Classification: Uncertain significance. Last evaluated: 2018-04-04. Review status: criteria provided, single submitter. Criteria: EGL ClinVar v180209 classification definitions. Collection method: clinical testing. Allele origin: germline. Observed: 1 variant allele, 1 heterozygote.

Natera, Inc.
Classification: Uncertain significance for Renal tubular acidosis with progressive nerve deafness. Last evaluated: 2021-03-19. Review status: no assertion criteria provided. Collection method: clinical testing. Allele origin: germline. Not counted in ClinVar's aggregate classification.